The following is an entry in ClinVar:

ClinVar aggregate classification (germline): Uncertain significance. Review status: criteria provided, multiple submitters, no conflicts (2 of 4 stars). 3 submissions from 3 submitters: Uncertain significance (3). Last evaluated 2023-03-13.

Allele frequency attached by ClinVar (database versions not stated): TOPMed 0.00002; gnomAD exomes 0.00006 and 0.00012; ExAC 0.00008; ESP Exome Variant Server 0.00008; 1000 Genomes Project 30x 0.00016; gnomAD 0.00016; 1000 Genomes Project 0.00020.

Submissions (3):

Labcorp Genetics (formerly Invitae), Labcorp
Classification: Uncertain significance. Last evaluated: 2023-03-13. Review status: criteria provided, single submitter. Criteria: Invitae Variant Classification Sherloc (09022015). Collection method: clinical testing. Allele origin: germline.
Comment: In summary, the available evidence is currently insufficient to determine the role of this variant in disease. Therefore, it has been classified as a Variant of Uncertain Significance. An algorithm developed to predict the effect of missense changes on protein structure and function (PolyPhen-2) suggests that this variant¬† is likely to be tolerated. ClinVar contains an entry for this variant (Variation ID: 586004). This variant has not been reported in the literature in individuals affected with HSPG2-related conditions. This variant is present in population databases (rs142226974, gnomAD 0.07%). This sequence change replaces valine, which is neutral and non-polar, with isoleucine, which is neutral and non-polar, at codon 2615 of the HSPG2 protein (p.Val2615Ile).

Revvity Omics, Revvity
Classification: Uncertain significance. Last evaluated: 2019-08-30. Review status: criteria provided, single submitter. Criteria: ACMG Guidelines, 2015. Collection method: clinical testing. Allele origin: germline.

Athena Diagnostics
Classification: Uncertain significance. Last evaluated: 2017-08-28. Review status: criteria provided, single submitter. Criteria: Athena Diagnostics Criteria. Collection method: clinical testing. Allele origin: germline.

NM_005529.7(HSPG2):c.7843G>A (p.Val2615Ile)

Gene: HSPG2 (heparan sulfate proteoglycan 2; minus strand). Cytogenetic location: 1p36.12.
Variant type: single nucleotide variant.
Coding change: c.7843G>A on transcript NM_005529.7 (MANE Select); coding-DNA position 7843, G replaced by A.
Protein change: p.Val2615Ile; replaces valine 2615 with isoleucine.
Molecular consequence: missense variant.
Genome position (GRCh38, 1-based): chr1:21,847,988, C>T on the plus strand (G>A on the coding strand, the complement: HSPG2 is on the minus strand). VCF-style: chr1-21847988-C-T. GRCh37 (hg19) VCF-style: chr1-22174481-C-T.
Other names: c.7846G>A, p.Val2616Ile (NM_001291860.2); c.7843G>A (NM_005529.5); short protein forms V2615I, V2616I.
Identifiers: ClinVar variation 586004 (VCV000586004.6), dbSNP rs142226974, ClinGen allele CA671043.